The following is an entry in ClinVar:

ClinVar aggregate classification (germline): Uncertain significance (1 of 4 stars; one submission).

Conditions:
Malignant hyperthermia, susceptibility to, 1 (MHS1). Also called: Malignant hyperthermia suceptibility 1; RYR1-Related Malignant Hyperthermia Susceptibility; Anesthesia related hyperthermia; Malignant hyperpyrexia; Fulminating hyperpyrexia; Pharmacogenic myopathy. Identifiers: Orphanet 423, MedGen C2930980, MONDO:0007783, OMIM 145600.

Submission:

Biesecker Lab/Clinical Genomics Section, National Institutes of Health
Classification: Uncertain significance for Malignant hyperthermia, susceptibility to, 1. Last evaluated: 2013-07-01. Review status: criteria provided, single submitter. Criteria: Gonsalves et al. 2013. Collection method: research. Allele origin: unknown. Observed: 1 variant allele. Study: ClinSeq.
Comment: The study set was not selected for affection status in relation to any myopathy. Pathogenicity categories were based on literature curation. See Pubmed ID: 24195946 for details.

NM_000540.3(RYR1):c.10046C>G (p.Ala3349Gly)

Gene: RYR1 (ryanodine receptor 1; plus strand). Cytogenetic location: 19q13.2.
Variant type: single nucleotide variant.
Coding change: c.10046C>G on transcript NM_000540.3 (MANE Select); coding-DNA position 10046, C replaced by G.
Protein change: p.Ala3349Gly; replaces alanine 3349 with glycine.
Molecular consequence: missense variant.
Genome position (GRCh38, 1-based): chr19:38,519,241, C>G. VCF-style: chr19-38519241-C-G. GRCh37 (hg19) VCF-style: chr19-39009881-C-G.
Other names: c.10046C>G, p.Ala3349Gly (NM_001042723.2); short protein forms A3349G.
Identifiers: ClinVar variation 224396 (VCV000224396.1), dbSNP rs199531105, ClinGen allele CA212122.